The following is an entry in ClinVar:

NM_001354604.2(MITF):c.1325T>G (p.Leu442Arg)

Gene: MITF (melanocyte inducing transcription factor; plus strand). Cytogenetic location: 3p13.
Variant type: single nucleotide variant.
Coding change: c.1325T>G on transcript NM_001354604.2 (MANE Select); coding-DNA position 1325, T replaced by G.
Protein change: p.Leu442Arg; replaces leucine 442 with arginine.
Molecular consequence: missense variant.
Genome position (GRCh38, 1-based): chr3:69,964,992, T>G. VCF-style: chr3-69964992-T-G. GRCh37 (hg19) VCF-style: chr3-70014143-T-G.
Other names: c.1004T>G, p.Leu335Arg (NM_000248.4); c.1151T>G, p.Leu384Arg (NM_001184967.2, NM_001354608.2); c.1322T>G, p.Leu441Arg (NM_001354605.2); c.1304T>G, p.Leu435Arg (NM_001354606.2, NM_006722.3); c.1256T>G, p.Leu419Arg (NM_001354607.2); c.986T>G, p.Leu329Arg (NM_198158.3); c.1307T>G, p.Leu436Arg (NM_198159.3); c.1259T>G, p.Leu420Arg (NM_198177.3); and 1 more; short protein forms L273R, L329R, L335R, L384R, L419R, L420R, L435R, L436R.
Identifiers: ClinVar variation 4860063 (VCV004860063.1).
Genomic context (GRCh38, chr3:69,964,992, plus strand): 5'-TCAAGCAAGAACCCGTTCTTGAGAACTGCAGCCAAGACCTCCTTCAGCATCATGCAGACC[T>G]AACCTGTACAACAACTCTCGATCTCACGGATGGCACCATCACCTTCAACAACAACCTCGG-3'
Protein context (NP_001341533.1, residues 432-452): SQDLLQHHAD[Leu442Arg]TCTTTLDLTD

ClinVar aggregate classification (germline): Uncertain significance (1 of 4 stars; one submission).

Conditions:
Hereditary cancer-predisposing syndrome. Also called: Neoplastic Syndromes, Hereditary; Tumor predisposition; Hereditary Cancer Syndrome; Hereditary neoplastic syndrome. Identifiers: Orphanet 140162, MedGen C0027672, MeSH D009386, MONDO:0015356.

Submission:

Ambry Genetics
Classification: Uncertain significance for Hereditary cancer-predisposing syndrome. Last evaluated: 2026-04-28. Review status: criteria provided, single submitter. Criteria: Ambry Variant Classification Scheme 2023. Collection method: clinical testing. Allele origin: germline.
Comment: The p.L335R variant (also known as c.1004T>G), located in coding exon 9 of the MITF gene, results from a T to G substitution at nucleotide position 1004. The leucine at codon 335 is replaced by arginine, an amino acid with dissimilar properties. This amino acid position is conserved. In addition, the in silico prediction for this alteration is inconclusive. Based on the available evidence, the clinical significance of this variant remains unclear.